The following is an entry in ClinVar:

NM_006129.5(BMP1):c.1181-325A>G

Gene: BMP1 (bone morphogenetic protein 1; plus strand). Cytogenetic location: 8p21.3.
Variant type: single nucleotide variant.
Coding change: c.1181-325A>G on transcript NM_006129.5 (MANE Select); 325 bases into the intron before coding-DNA position 1181, A replaced by G.
Molecular consequence: intron variant.
Genome position (GRCh38, 1-based): chr8:22,193,733, A>G. VCF-style: chr8-22193733-A-G. GRCh37 (hg19) VCF-style: chr8-22051246-A-G.
Other names: c.1181-325A>G (NM_001199.4).
Identifiers: ClinVar variation 680906 (VCV000680906.1), dbSNP rs7823549, ClinGen allele CA173465252.

ClinVar aggregate classification (germline): Benign (1 of 4 stars; one submission).

Allele frequency attached by ClinVar (database versions not stated): gnomAD 0.19381 and 0.19759; TOPMed 0.19666; 1000 Genomes Project 0.20986; 1000 Genomes Project 30x 0.21580.
gnomAD v4.1: 29,390 of 152,170 alleles (19%); highest among the groups gnomAD compares: African/African-American, 36%; 3,636 homozygotes.

Submission:

GeneDx
Classification: Benign. Last evaluated: 2018-06-14. Review status: criteria provided, single submitter. Criteria: GeneDx Variant Classification (06012015). Collection method: clinical testing. Allele origin: germline. Affected: yes.
Comment: This variant is considered likely benign or benign based on one or more of the following criteria: it is a conservative change, it occurs at a poorly conserved position in the protein, it is predicted to be benign by multiple in silico algorithms, and/or has population frequency not consistent with disease.